The following is an entry in ClinVar:

ClinVar aggregate classification (germline): Uncertain significance (1 of 4 stars; one submission).

Conditions:
ACE-related disorder. Also called: ACE-related condition; ACE-related disorders.

Allele frequency attached by ClinVar (database versions not stated): TOPMed below 0.00001; gnomAD 0.00001.
gnomAD v4.1: 17 of 1,401,274 alleles (0.0012%); highest among the groups gnomAD compares: Non-Finnish European, 0.0015%; no homozygotes.

Submission:

PreventionGenetics, part of Exact Sciences
Classification: Uncertain significance for ACE-related condition. Last evaluated: 2023-01-23. Review status: criteria provided, single submitter. Criteria: ACMG Guidelines, 2015. Collection method: clinical testing. Allele origin: germline.
Comment: The ACE c.220A>G variant is predicted to result in the amino acid substitution p.Asn74Asp. To our knowledge, this variant has not been reported in the literature or in a large population database, indicating this variant is rare. At this time, the clinical significance of this variant is uncertain due to the absence of conclusive functional and genetic evidence.

NM_000789.4(ACE):c.220A>G (p.Asn74Asp)

Gene: ACE (angiotensin I converting enzyme; plus strand). Cytogenetic location: 17q23.3.
Variant type: single nucleotide variant.
Coding change: c.220A>G on transcript NM_000789.4 (MANE Select); coding-DNA position 220, A replaced by G.
Protein change: p.Asn74Asp; replaces asparagine 74 with aspartic acid.
Molecular consequence: missense variant. On other transcripts: 5 prime UTR variant (2).
Genome position (GRCh38, 1-based): chr17:63,477,314, A>G. VCF-style: chr17-63477314-A-G. GRCh37 (hg19) VCF-style: chr17-61554675-A-G.
Other names: c.-16A>G (NM_001382700.1); c.-395A>G (NM_001382701.1); short protein forms N74D.
Identifiers: ClinVar variation 2635011 (VCV002635011.1), dbSNP rs1331766879, ClinGen allele CA400539099.